The following is an entry in ClinVar:

NM_206933.4(USH2A):c.10013C>T (p.Ser3338Leu)

Gene: USH2A (usherin; minus strand). Cytogenetic location: 1q41.
Variant type: single nucleotide variant.
Coding change: c.10013C>T on transcript NM_206933.4 (MANE Select); coding-DNA position 10013, C replaced by T.
Protein change: p.Ser3338Leu; replaces serine 3338 with leucine.
Molecular consequence: missense variant.
Genome position (GRCh38, 1-based): chr1:215,790,228, G>A on the plus strand (C>T on the coding strand, the complement: USH2A is on the minus strand). VCF-style: chr1-215790228-G-A. GRCh37 (hg19) VCF-style: chr1-215963570-G-A.
Other names: short protein forms S3338L.
Identifiers: ClinVar variation 506276 (VCV000506276.9), dbSNP rs746870063, ClinGen allele CA1394151.

ClinVar aggregate classification (germline): Uncertain significance. Review status: criteria provided, multiple submitters, no conflicts (2 of 4 stars). 5 submissions from 4 submitters: Uncertain significance (4). 1 of the submissions does not count toward it. Last evaluated 2023-11-04.

Conditions:
Inborn genetic diseases. Identifiers: MedGen C0950123, MeSH D030342.
Retinitis pigmentosa 39 (RP39). Identifiers: Orphanet 791, MedGen C3151138, MONDO:0013436, OMIM 613809.
Usher syndrome type 2A. Also called: USHER SYNDROME, TYPE IIA; RETINAL DISEASE IN USHER SYNDROME TYPE IIA, MODIFIER OF. Identifiers: Orphanet 231178, Orphanet 886, MedGen C1848634, MONDO:0010169, OMIM 276901.

Allele frequency attached by ClinVar (database versions not stated): gnomAD exomes below 0.00001; ExAC 0.00001.
gnomAD v4.1: 1 of 1,614,082 alleles (0.000062%); highest among the groups gnomAD compares: Non-Finnish European, 0.000085%; no homozygotes.

Submissions (5):

Genome-Nilou Lab
Classification: Uncertain significance for Retinitis pigmentosa 39. Last evaluated: 2023-11-04. Review status: criteria provided, single submitter. Criteria: ACMG Guidelines, 2015. Collection method: clinical testing. Allele origin: germline. Affected: no.

Genome-Nilou Lab
Classification: Uncertain significance for Usher syndrome type 2A. Last evaluated: 2023-11-04. Review status: criteria provided, single submitter. Criteria: ACMG Guidelines, 2015. Collection method: clinical testing. Allele origin: germline. Affected: no.

Ambry Genetics
Classification: Uncertain significance for Inborn genetic diseases. Last evaluated: 2023-03-24. Review status: criteria provided, single submitter. Criteria: Ambry Variant Classification Scheme 2023. Collection method: clinical testing. Allele origin: germline.

Laboratory for Molecular Medicine, Mass General Brigham Personalized Medicine
Classification: Uncertain significance. Last evaluated: 2018-01-25. Review status: criteria provided, single submitter. Criteria: LMM Criteria. Collection method: clinical testing. Allele origin: germline. Observed: 1 variant allele.
Comment: Variant classified as Uncertain Significance - Favor Benign. The p.Ser3338Leu va riant in USH2A has not been previously reported in individuals with hearing loss or Usher syndrome and was absent from large population studies. Serine (Ser) at position 3338 is not conserved in mammals or evolutionarily distant species and 2 mammals (white rhinoceros and hedgehog) carry a leucine (Leu) at this positio n, raising the possibility that this change may be tolerated. Additional computa tional prediction tools support that the variant may not impact the protein, tho ugh this information is not predictive enough to rule out pathogenicity. In summ ary, while the clinical significance of the p.Ser3338Leu variant is uncertain, t hese data suggest that it is more likely to be benign. ACMG/AMP Criteria applied : PM2; BP4.

Natera, Inc.
Classification: Uncertain significance for Usher syndrome type 2A. Last evaluated: 2021-09-17. Review status: no assertion criteria provided. Collection method: clinical testing. Allele origin: germline. Not counted in ClinVar's aggregate classification.